The following is an entry in ClinVar:

NM_001042492.3(NF1):c.7371del (p.His2457fs)

Gene: NF1 (neurofibromin 1; plus strand). Cytogenetic location: 17q11.2.
Variant type: Deletion.
Coding change: c.7371del on transcript NM_001042492.3 (MANE Select); coding-DNA position 7371, one base deleted (T; older notation c.7371delT).
Protein change: p.His2457fs; shifts the reading frame from histidine 2457.
Molecular consequence: frameshift variant.
Genome position (GRCh38, 1-based): chr17:31,350,232, T deleted. VCF-style (leftmost placement, unchanged base first): chr17-31350231-AT-A. GRCh37 (hg19) VCF-style: chr17-29677249-AT-A.
Other names: c.7308delT, p.His2436Glnfs (NM_000267.4); short protein forms H2436fs, H2457fs.
Identifiers: ClinVar variation 3729043 (VCV003729043.2).

ClinVar aggregate classification (germline): Pathogenic (1 of 4 stars; one submission).

Conditions:
Neurofibromatosis, type 1 (NF1). Also called: NEUROFIBROMATOSIS, TYPE I, SOMATIC; Peripheral type neurofibromatosis; Neurofibromatosis, type I; VON RECKLINGHAUSEN DISEASE. Identifiers: Orphanet 636, MedGen C0027831, MONDO:0018975, OMIM 162200. Disease mechanism: loss of function.

Submission:

Labcorp Genetics (formerly Invitae), Labcorp
Classification: Pathogenic for Neurofibromatosis, type 1. Last evaluated: 2025-01-15. Review status: criteria provided, single submitter. Criteria: Invitae Variant Classification Sherloc (09022015). Collection method: clinical testing. Allele origin: germline.
Comment: This sequence change creates a premature translational stop signal (p.His2436Glnfs*32) in the NF1 gene. It is expected to result in an absent or disrupted protein product. Loss-of-function variants in NF1 are known to be pathogenic (PMID: 10712197, 23913538). This variant is not present in population databases (gnomAD no frequency). This premature translational stop signal has been observed in individual(s) with NF1-related conditions (PMID: 23832011). For these reasons, this variant has been classified as Pathogenic.

Literature cited by the submitters: PubMed 10712197; PubMed 23913538; PubMed 23832011.